The following is an entry in ClinVar:

ClinVar aggregate classification (germline): Uncertain significance (1 of 4 stars; one submission).

Submission:

Athena Diagnostics
Classification: Uncertain significance. Last evaluated: 2024-12-05. Review status: criteria provided, single submitter. Criteria: Athena Diagnostics Criteria. Collection method: clinical testing. Allele origin: unknown.
Comment: Available data are insufficient to determine the clinical significance of the variant at this time. This variant has not been reported in large, multi-ethnic general populations. Polyphen and MutationTaster predict this amino acid change may be benign.

NM_000193.4(SHH):c.844A>C (p.Thr282Pro)

Gene: SHH (sonic hedgehog signaling molecule; minus strand). Cytogenetic location: 7q36.3.
Variant type: single nucleotide variant.
Coding change: c.844A>C on transcript NM_000193.4 (MANE Select); coding-DNA position 844, A replaced by C.
Protein change: p.Thr282Pro; replaces threonine 282 with proline.
Molecular consequence: missense variant. On other transcripts: intron variant (1).
Genome position (GRCh38, 1-based): chr7:155,803,445, T>G on the plus strand (A>C on the coding strand, the complement: SHH is on the minus strand). VCF-style: chr7-155803445-T-G. GRCh37 (hg19) VCF-style: chr7-155596139-T-G.
Other names: c.844A>C (NM_000193.2); c.301+2851A>C (NM_001310462.2); short protein forms T282P.
Identifiers: ClinVar variation 3571554 (VCV003571554.2).
Genomic context (GRCh38, chr7:155,803,445, plus strand): 5'-GAGGCCCCAGTGCGCCCCCGGAAGGCGGCCCCGAGCCCGAGGACGCCTCGGGCTCCCCGG[T>G]GGCCGAGTCGTTGTGCGGCGCCACAAAGAGCAGGTGCGCGGCGGTGAGCAGCAGGCGCTC-3'
Protein context (NP_000184.1, residues 272-292): LFVAPHNDSA[Thr282Pro]GEPEASSGSG